The following is an entry in ClinVar:

ClinVar aggregate classification (germline): Uncertain significance (1 of 4 stars; one submission).

Allele frequency attached by ClinVar (database versions not stated): ExAC 0.00001; gnomAD exomes 0.00001; gnomAD 0.00003; TOPMed 0.00003.
gnomAD v4.1: 24 of 1,613,972 alleles (0.0015%); highest among the groups gnomAD compares: Non-Finnish European, 0.0019%; no homozygotes.

Submission:

Labcorp Genetics (formerly Invitae), Labcorp
Classification: Uncertain significance. Last evaluated: 2024-02-05. Review status: criteria provided, single submitter. Criteria: Invitae Variant Classification Sherloc (09022015). Collection method: clinical testing. Allele origin: germline.
Comment: This sequence change disrupts the translational stop signal of the PIGV mRNA. It is expected to extend the length of the PIGV protein by 74 additional amino acid residues. This variant is present in population databases (rs748710132, gnomAD 0.003%). This variant has not been reported in the literature in individuals affected with PIGV-related conditions. ClinVar contains an entry for this variant (Variation ID: 1464007). Experimental studies and prediction algorithms are not available or were not evaluated, and the functional significance of this variant is currently unknown. In summary, the available evidence is currently insufficient to determine the role of this variant in disease. Therefore, it has been classified as a Variant of Uncertain Significance.

NM_017837.4(PIGV):c.1481G>C (p.Ter494Ser)

Gene: PIGV (phosphatidylinositol glycan anchor biosynthesis class V; plus strand). Cytogenetic location: 1p36.11.
Variant type: single nucleotide variant.
Coding change: c.1481G>C on transcript NM_017837.4 (MANE Select); coding-DNA position 1481, G replaced by C.
Protein change: p.Ter494Ser.
Molecular consequence: stop lost. On other transcripts: non-coding transcript variant (2).
Genome position (GRCh38, 1-based): chr1:26,797,843, G>C. VCF-style: chr1-26797843-G-C. GRCh37 (hg19) VCF-style: chr1-27124334-G-C.
Other names: c.1481G>C, p.Ter494Ser (NM_001202554.2, NM_001374478.1, NM_001374480.1 and 2 more transcripts); c.1100G>C, p.Ter367Ser (NM_001374483.1); c.854G>C, p.Ter285Ser (NM_001374484.1, NM_001374485.1); c.359G>C, p.Ter120Ser (NM_001374486.1).
Identifiers: ClinVar variation 1464007 (VCV001464007.4), dbSNP rs748710132, ClinGen allele CA708238.